The following is an entry in ClinVar:

ClinVar aggregate classification (germline): Conflicting classifications of pathogenicity. Review status: criteria provided, conflicting classifications (1 of 4 stars). 7 submissions from 7 submitters: Uncertain significance (6); Likely benign (1). Last evaluated 2026-02-13.

Conditions:
Hereditary breast ovarian cancer syndrome. Also called: Hereditary breast and ovarian cancer syndrome; Hereditary breast and/or ovarian cancer syndrome; BRCA1- and BRCA2-Associated Hereditary Breast and Ovarian Cancer; Hereditary breast and ovarian cancer syndrome (HBOC); Hereditary breast and ovarian cancer; Breast and ovarian cancer. Identifiers: Orphanet 145, MedGen C0677776, MeSH D061325, MONDO:0003582. Disease mechanism: loss of function.
Breast-ovarian cancer, familial, susceptibility to, 2 (BROVCA2). Also called: BRCA2 Hereditary Breast and Ovarian Cancer. Identifiers: Orphanet 145, MedGen C2675520, MONDO:0012933, OMIM 612555. Disease mechanism: loss of function.
Hereditary cancer-predisposing syndrome. Also called: Hereditary neoplastic syndrome; Neoplastic Syndromes, Hereditary; Tumor predisposition; Hereditary Cancer Syndrome. Identifiers: Orphanet 140162, MedGen C0027672, MeSH D009386, MONDO:0015356.

gnomAD v4.1: 2 of 1,613,882 alleles (0.00012%); highest among the groups gnomAD compares: Admixed American, 0.0017%; no homozygotes.

Submissions (7):

OLLIN Analises Genomicas, OLLIN
Classification: Uncertain significance for Breast-ovarian cancer, familial, susceptibility to, 2. Last evaluated: 2026-02-13. Review status: criteria provided, single submitter. Criteria: ACMG Guidelines 2015 PMID 25741868. Collection method: clinical testing. Allele origin: germline. Observed: 1 variant allele.
Comment: PM2_P, BP4

Labcorp Genetics (formerly Invitae), Labcorp
Classification: Uncertain significance for Hereditary breast ovarian cancer syndrome. Last evaluated: 2026-01-20. Review status: criteria provided, single submitter. Criteria: Invitae Variant Classification Sherloc (09022015). Collection method: clinical testing. Allele origin: germline.
Comment: This sequence change replaces valine, which is neutral and non-polar, with leucine, which is neutral and non-polar, at codon 572 of the BRCA2 protein (p.Val572Leu). This variant is present in population databases (no rsID available, gnomAD 0.003%). This missense change has been observed in individual(s) with breast cancer (PMID: 29021639). ClinVar contains an entry for this variant (Variation ID: 409458). Invitae Evidence Modeling of protein sequence and biophysical properties (such as structural, functional, and spatial information, amino acid conservation, physicochemical variation, residue mobility, and thermodynamic stability) indicates that this missense variant is not expected to disrupt BRCA2 protein function with a negative predictive value of 95%. In summary, the available evidence is currently insufficient to determine the role of this variant in disease. Therefore, it has been classified as a Variant of Uncertain Significance.

University of Washington Department of Laboratory Medicine, University of Washington
Classification: Likely benign for Hereditary cancer-predisposing syndrome. Last evaluated: 2023-03-23. Review status: criteria provided, single submitter. Criteria: Dines et al. (Genet Med. 2020). Collection method: curation. Allele origin: germline.
Comment: Missense variant in a coldspot region where missense variants are very unlikely to be pathogenic (PMID:31911673).

BRCA2 exon 10 coldspot. Reclassification based on statistical prior probability.

Ambry Genetics
Classification: Uncertain significance for Hereditary cancer-predisposing syndrome. Last evaluated: 2022-12-09. Review status: criteria provided, single submitter. Criteria: Ambry Variant Classification Scheme 2023. Collection method: clinical testing. Allele origin: germline.
Comment: The p.V572L variant (also known as c.1714G>C), located in coding exon 9 of the BRCA2 gene, results from a G to C substitution at nucleotide position 1714. The valine at codon 572 is replaced by leucine, an amino acid with highly similar properties. This alteration was identified in an individual referred for BRCA1/BRCA2 testing (Brice&ntilde;o-Balc&aacute;zar I et al. Colomb Med (Cali), 2017 Jun;48:58-63). This amino acid position is not well conserved in available vertebrate species. In addition, this alteration is predicted to be tolerated by in silico analysis. Since supporting evidence is limited at this time, the clinical significance of this alteration remains unclear.

Color Diagnostics, LLC DBA Color Health
Classification: Uncertain significance for Hereditary cancer-predisposing syndrome. Last evaluated: 2020-07-22. Review status: criteria provided, single submitter. Criteria: ACMG Guidelines, 2015. Collection method: clinical testing. Allele origin: germline.
Comment: This missense variant replaces valine with leucine at codon 572 of the BRCA2 protein. Computational prediction suggests that this variant may not impact protein structure and function (internally defined REVEL score threshold <= 0.5, PMID: 27666373). To our knowledge, functional studies have not been performed for this variant. This variant has been reported in an individual affected with breast cancer (PMID: 29021639). This variant has been identified in 1/251132 chromosomes in the general population by the Genome Aggregation Database (gnomAD). The available evidence is insufficient to determine the role of this variant in disease conclusively. Therefore, this variant is classified as a Variant of Uncertain Significance.

Mendelics
Classification: Uncertain significance for Breast-ovarian cancer, familial, susceptibility to, 2. Last evaluated: 2019-05-28. Review status: criteria provided, single submitter. Criteria: Mendelics Assertion Criteria 2017. Collection method: clinical testing. Allele origin: unknown.

Quest Diagnostics Nichols Institute San Juan Capistrano
Classification: Uncertain significance. Last evaluated: 2017-04-17. Review status: criteria provided, single submitter. Criteria: Quest Diagnostics criteria. Collection method: clinical testing. Allele origin: germline.

Literature cited by the submitters: PubMed 29021639 (cited by Labcorp Genetics (formerly Invitae), Labcorp and Ambry Genetics).

NM_000059.4(BRCA2):c.1714G>C (p.Val572Leu)

Gene: BRCA2 (BRCA2 DNA repair associated; plus strand). Cytogenetic location: 13q13.1.
Variant type: single nucleotide variant.
Coding change: c.1714G>C on transcript NM_000059.4 (MANE Select); coding-DNA position 1714, G replaced by C.
Protein change: p.Val572Leu; replaces valine 572 with leucine.
Molecular consequence: missense variant.
Genome position (GRCh38, 1-based): chr13:32,333,192, G>C. VCF-style: chr13-32333192-G-C. GRCh37 (hg19) VCF-style: chr13-32907329-G-C.
Other names: short protein forms V572L.
Identifiers: ClinVar variation 409458 (VCV000409458.23), dbSNP rs587782713, ClinGen allele CA16613934.